The following is an entry in ClinVar:

ClinVar aggregate classification (germline): Uncertain significance (0 of 4 stars; one submission).

Conditions:
DYRK1B-related disorder. Also called: DYRK1B-related condition.

Submission:

PreventionGenetics, part of Exact Sciences
Classification: Uncertain significance for DYRK1B-related condition. Last evaluated: 2023-12-05. Review status: no assertion criteria provided. Collection method: clinical testing. Allele origin: germline.
Comment: The DYRK1B c.80G>A variant is predicted to result in the amino acid substitution p.Arg27Gln. To our knowledge, this variant has not been reported in the literature. This variant is reported in 0.0044% of alleles in individuals of European (Non-Finnish) descent in gnomAD. At this time, the clinical significance of this variant is uncertain due to the absence of conclusive functional and genetic evidence.

NM_004714.3(DYRK1B):c.80G>A (p.Arg27Gln)

Gene: DYRK1B (dual specificity tyrosine phosphorylation regulated kinase 1B; minus strand). Cytogenetic location: 19q13.2.
Variant type: single nucleotide variant.
Coding change: c.80G>A on transcript NM_004714.3 (MANE Select); coding-DNA position 80, G replaced by A.
Protein change: p.Arg27Gln; replaces arginine 27 with glutamine.
Molecular consequence: missense variant.
Genome position (GRCh38, 1-based): chr19:39,830,767, C>T on the plus strand (G>A on the coding strand, the complement: DYRK1B is on the minus strand). VCF-style: chr19-39830767-C-T. GRCh37 (hg19) VCF-style: chr19-40321407-C-T.
Other names: c.80G>A, p.Arg27Gln (NM_006483.3, NM_006484.3); short protein forms R27Q.
Identifiers: ClinVar variation 3352444 (VCV003352444.1).